The following is an entry in ClinVar:

ClinVar aggregate classification (germline): Benign. Review status: criteria provided, multiple submitters, no conflicts (2 of 4 stars). 2 submissions from 2 submitters: Benign (2). Last evaluated 2018-01-13.

Conditions:
Diamond-Blackfan anemia 6 (DBA6). Also called: RPL5-Related Diamond-Blackfan Anemia. Identifiers: Orphanet 124, MedGen C2931850, MONDO:0012937, OMIM 612561.

Allele frequency attached by ClinVar (database versions not stated): ESP Exome Variant Server 0.00526; gnomAD 0.00583; TOPMed 0.00628; 1000 Genomes Project 0.00659; 1000 Genomes Project 30x 0.00781.
gnomAD v4.1: 1,740 of 1,612,354 alleles (0.11%); highest among the groups gnomAD compares: African/African-American, 2%; 16 homozygotes.

Submissions (2):

Illumina Laboratory Services, Illumina
Classification: Benign for Diamond-Blackfan anemia 6. Last evaluated: 2018-01-13. Review status: criteria provided, single submitter. Criteria: ICSL Variant Classification Criteria 13 December 2019. Collection method: clinical testing. Allele origin: germline.
Comment: This variant was observed in the ICSL laboratory as part of a predisposition screen in an ostensibly healthy population. It had not been previously curated by ICSL or reported in the Human Gene Mutation Database (HGMD: prior to June 1st, 2018), and was therefore a candidate for classification through an automated scoring system. Utilizing variant allele frequency, disease prevalence and penetrance estimates, and inheritance mode, an automated score was calculated to assess if this variant is too frequent to cause the disease. Based on the score and internal cut-off values, a variant classified as benign is not then subjected to further curation. The score for this variant resulted in a classification of benign for this disease.

GeneDx
Classification: Benign. Last evaluated: 2015-03-03. Review status: criteria provided, single submitter. Criteria: GeneDx Variant Classification Process June 2021. Collection method: clinical testing. Allele origin: germline. Affected: yes.

NM_000969.5(RPL5):c.-55C>G

Gene: RPL5 (ribosomal protein L5; plus strand). Cytogenetic location: 1p22.1.
Variant type: single nucleotide variant.
Coding change: c.-55C>G on transcript NM_000969.5 (MANE Select); 55 bases upstream of the start codon, C replaced by G.
Molecular consequence: 5 prime UTR variant. On other transcripts: non-coding transcript variant (1).
Genome position (GRCh38, 1-based): chr1:92,832,060, C>G. VCF-style: chr1-92832060-C-G. GRCh37 (hg19) VCF-style: chr1-93297617-C-G.
Other names: c.-55C>G (LRG_1155t1).
Identifiers: ClinVar variation 298199 (VCV000298199.8), dbSNP rs116168890, ClinGen allele CA10610426.